The following is an entry in ClinVar:

NM_001081.4(CUBN):c.7506_7516del (p.His2502fs)

Gene: CUBN (cubilin; minus strand). Cytogenetic location: 10p13.
Variant type: Deletion.
Coding change: c.7506_7516del on transcript NM_001081.4 (MANE Select); coding-DNA positions 7506 to 7516, 11 bases deleted (TCCGTCCTGCA).
Protein change: p.His2502fs; shifts the reading frame from histidine 2502.
Molecular consequence: frameshift variant.
Genome position (GRCh38, 1-based): chr10:16,913,828-16,913,838, TGCAGGACGGA deleted on the plus strand (TCCGTCCTGCA on the coding strand, the reverse complement: CUBN is on the minus strand); deleting any 11 consecutive bases within chr10:16,913,828-16,913,841 gives the same sequence; the c. name uses the placement nearest the transcript's 3' end. VCF-style (leftmost placement, unchanged base first): chr10-16913827-TTGCAGGACGGA-T. GRCh37 (hg19) VCF-style: chr10-16955826-TTGCAGGACGGA-T.
Other names: short protein forms H2502fs.
Identifiers: ClinVar variation 5007695 (VCV005007695.2).
Genomic context (GRCh38, chr10:16,913,827, plus strand): 5'-TTAAATGATGGAATATAACATCTCAGGCGGCAGGGAACACTTACTATCACATGCTCATTG[TTGCAGGACGGA>T]TGCGTGGCCAGCCTCAGGTTGTTAAACATTAGGGTGATCCGCCTTCCCTCCGGGGCAGTG-3'

ClinVar aggregate classification (germline): Likely pathogenic (1 of 4 stars; one submission).

Conditions:
Imerslund-Grasbeck syndrome type 1 (IGS1). Also called: Megaloblastic anemia 1, Finnish type; Imerslund-Gräsbeck syndrome 1; MEGALOBLASTIC ANEMIA, 1. Identifiers: MedGen C4016819, MONDO:0100156, OMIM 261100.

Submission:

Juno Genomics, Hangzhou Juno Genomics, Inc
Classification: Likely pathogenic for Imerslund-Grasbeck syndrome type 1. Review status: criteria provided, single submitter. Criteria: ACMG Guidelines, 2015. Collection method: clinical testing. Allele origin: germline.
Comment: Null variant in a gene where loss of function (LOF) is a known mechanism of disease.;Absent from controls (or at extremely low frequency if recessive) in Genome Aggregation Database.